The following is an entry in ClinVar:

ClinVar aggregate classification (germline): Uncertain significance. Review status: criteria provided, multiple submitters, no conflicts (2 of 4 stars). 4 submissions from 4 submitters: Uncertain significance (2). 2 of the submissions do not count toward it. Last evaluated 2024-01-14.

Conditions:
Van Maldergem syndrome 2 (VMLDS2). Identifiers: Orphanet 314679, MedGen C3809875, MONDO:0014242, OMIM 615546.
Hennekam lymphangiectasia-lymphedema syndrome 2 (HKLLS2). Identifiers: Orphanet 2136, MedGen C4014939, MONDO:0014454, OMIM 616006.

Allele frequency attached by ClinVar (database versions not stated): gnomAD 0.00001; gnomAD exomes 0.00002 and 0.00004; TOPMed 0.00003; ESP Exome Variant Server 0.00016.
gnomAD v4.1: 37 of 1,613,958 alleles (0.0023%); highest among the groups gnomAD compares: Middle Eastern, 0.033%; 1 homozygote.

Submissions (4):

Fulgent Genetics
Classification: Uncertain significance for Van Maldergem syndrome 2; Hennekam lymphangiectasia-lymphedema syndrome 2. Last evaluated: 2024-01-14. Review status: criteria provided, single submitter. Criteria: ACMG Guidelines, 2015. Collection method: clinical testing. Allele origin: germline.

Labcorp Genetics (formerly Invitae), Labcorp
Classification: Uncertain significance. Last evaluated: 2022-11-01. Review status: criteria provided, single submitter. Criteria: Invitae Variant Classification Sherloc (09022015). Collection method: clinical testing. Allele origin: germline.
Comment: This sequence change replaces glycine, which is neutral and non-polar, with valine, which is neutral and non-polar, at codon 953 of the FAT4 protein (p.Gly953Val). This variant is present in population databases (rs371993123, gnomAD 0.006%). This variant has not been reported in the literature in individuals affected with FAT4-related conditions. ClinVar contains an entry for this variant (Variation ID: 1174986). Advanced modeling of protein sequence and biophysical properties (such as structural, functional, and spatial information, amino acid conservation, physicochemical variation, residue mobility, and thermodynamic stability) performed at Invitae indicates that this missense variant is expected to disrupt FAT4 protein function. In summary, the available evidence is currently insufficient to determine the role of this variant in disease. Therefore, it has been classified as a Variant of Uncertain Significance.

Diagnostic Laboratory, Department of Genetics, University Medical Center Groningen
Classification: Uncertain significance. Review status: no assertion criteria provided. Collection method: clinical testing. Allele origin: germline. Affected: yes. Study: VKGL Data-share Consensus. Not counted in ClinVar's aggregate classification.

Joint Genome Diagnostic Labs from Nijmegen and Maastricht, Radboudumc and MUMC+
Classification: Uncertain significance. Review status: no assertion criteria provided. Collection method: clinical testing. Allele origin: germline. Affected: yes. Study: VKGL Data-share Consensus. Not counted in ClinVar's aggregate classification.

NM_001291303.3(FAT4):c.2858G>T (p.Gly953Val)

Gene: FAT4 (FAT atypical cadherin 4; plus strand). Cytogenetic location: 4q28.1.
Variant type: single nucleotide variant.
Coding change: c.2858G>T on transcript NM_001291303.3 (MANE Select); coding-DNA position 2858, G replaced by T.
Protein change: p.Gly953Val; replaces glycine 953 with valine.
Molecular consequence: missense variant.
Genome position (GRCh38, 1-based): chr4:125,319,269, G>T. VCF-style: chr4-125319269-G-T. GRCh37 (hg19) VCF-style: chr4-126240424-G-T.
Other names: c.2858G>T, p.Gly953Val (NM_001291285.3, NM_024582.6); c.2858G>T (NM_024582.5); short protein forms G953V.
Identifiers: ClinVar variation 1174986 (VCV001174986.11), dbSNP rs371993123, ClinGen allele CA3072214.